The following is an entry in ClinVar:

NM_007214.5(SEC63):c.1697AAG[2] (p.Glu568del)

Gene: SEC63 (SEC63 protein translocation regulator; minus strand). Cytogenetic location: 6q21.
Variant type: Microsatellite.
Coding change: c.1697AAG[2] on transcript NM_007214.5 (MANE Select); two copies in a row of the 3-base unit AAG starting at c.1697; the reference has three copies in a row; one copy, 3 bases deleted.
Protein change: p.Glu568del; deletes glutamic acid 568.
Molecular consequence: inframe deletion.
Genome position (GRCh38, 1-based): chr6:107,883,116-107,883,118, CTT deleted on the plus strand (AAG on the coding strand, the reverse complement: SEC63 is on the minus strand); deleting any 3 consecutive bases within chr6:107,883,116-107,883,125 gives the same sequence; the position shown is the placement nearest the transcript's 3' end. VCF-style (leftmost placement, unchanged base first): chr6-107883115-ACTT-A. GRCh37 (hg19) VCF-style: chr6-108204319-ACTT-A.
Other names: SEC63, 3-BP DEL, 1702GAA; short protein forms E568del.
Identifiers: ClinVar variation 354899 (VCV000354899.20), dbSNP rs752018806, ClinGen allele CA3947288.

ClinVar aggregate classification (germline): Conflicting classifications of pathogenicity. Review status: criteria provided, conflicting classifications (1 of 4 stars). 8 submissions from 8 submitters: Uncertain significance (1); Benign (2); Likely benign (1). 4 of the submissions do not count toward it. Last evaluated 2026-01-24.

Conditions:
SEC63-related disorder. Also called: SEC63-related condition.
Polycystic liver disease 2 (PCLD2). Also called: Polycystic liver disease 2 with or without kidney cysts. Identifiers: Orphanet 2924, MedGen C4310769, MONDO:0014860, OMIM 617004.
Polycystic liver disease 1 (PCLD1). Also called: Polycystic liver disease 1 with or without kidney cysts. Identifiers: Orphanet 2924, MedGen C0887850, MONDO:0008265, OMIM 174050.

Submissions (8):

Labcorp Genetics (formerly Invitae), Labcorp
Classification: Benign. Last evaluated: 2026-01-24. Review status: criteria provided, single submitter. Criteria: Invitae Variant Classification Sherloc (09022015). Collection method: clinical testing. Allele origin: germline.

Blueprint Genetics
Classification: Benign. Last evaluated: 2024-11-22. Review status: criteria provided, single submitter. Criteria: ACMG Guidelines, 2015. Collection method: clinical testing. Allele origin: germline.

GeneDx
Classification: Likely benign. Last evaluated: 2019-08-23. Review status: criteria provided, single submitter. Criteria: GeneDx Variant Classification Process June 2021. Collection method: clinical testing. Allele origin: germline. Affected: yes.
Comment: See Variant Classification Assertion Criteria.

Mendelics
Classification: Uncertain significance for Polycystic liver disease 1. Last evaluated: 2019-05-28. Review status: criteria provided, single submitter. Criteria: Mendelics Assertion Criteria 2017. Collection method: clinical testing. Allele origin: unknown.

PreventionGenetics, part of Exact Sciences
Classification: Benign for SEC63-related condition. Last evaluated: 2020-05-22. Review status: no assertion criteria provided. Collection method: clinical testing. Allele origin: germline. Not counted in ClinVar's aggregate classification.
Comment: This variant is classified as benign based on ACMG/AMP sequence variant interpretation guidelines (Richards et al. 2015 PMID: 25741868, with internal and published modifications).

OMIM
Classification: Pathogenic for POLYCYSTIC LIVER DISEASE 2 WITHOUT KIDNEY CYSTS. Last evaluated: 2004-06-01. Review status: no assertion criteria provided. Collection method: literature only. Allele origin: germline. Not counted in ClinVar's aggregate classification.

Genome Diagnostics Laboratory, University Medical Center Utrecht
Classification: Likely benign. Review status: no assertion criteria provided. Collection method: clinical testing. Allele origin: germline. Affected: yes. Study: VKGL Data-share Consensus. Not counted in ClinVar's aggregate classification.

Joint Genome Diagnostic Labs from Nijmegen and Maastricht, Radboudumc and MUMC+
Classification: Likely benign. Review status: no assertion criteria provided. Collection method: clinical testing. Allele origin: germline. Affected: yes. Study: VKGL Data-share Consensus. Not counted in ClinVar's aggregate classification.

Literature cited by the submitters: PubMed 15133510 (cited by OMIM).